The following is an entry in ClinVar:

ClinVar aggregate classification (germline): Uncertain significance (1 of 4 stars; one submission).

Submission:

GeneDx
Classification: Uncertain significance. Last evaluated: 2023-06-23. Review status: criteria provided, single submitter. Criteria: GeneDx Variant Classification Process June 2021. Collection method: clinical testing. Allele origin: germline. Affected: yes.
Comment: Not observed at significant frequency in large population cohorts (gnomAD); In silico analysis supports that this missense variant has a deleterious effect on protein structure/function; Has not been previously published as pathogenic or benign to our knowledge

NM_014712.3(SETD1A):c.4836G>C (p.Lys1612Asn)

Gene: SETD1A (SET domain containing 1A, histone lysine methyltransferase; plus strand). Cytogenetic location: 16p11.2.
Variant type: single nucleotide variant.
Coding change: c.4836G>C on transcript NM_014712.3 (MANE Select); coding-DNA position 4836, G replaced by C.
Protein change: p.Lys1612Asn; replaces lysine 1612 with asparagine.
Molecular consequence: missense variant.
Genome position (GRCh38, 1-based): chr16:30,983,658, G>C. VCF-style: chr16-30983658-G-C. GRCh37 (hg19) VCF-style: chr16-30994979-G-C.
Other names: short protein forms K1612N.
Identifiers: ClinVar variation 3360382 (VCV003360382.1).